The following is an entry in ClinVar:

ClinVar aggregate classification (germline): Pathogenic. Review status: reviewed by expert panel (3 of 4 stars). 2 submissions from 2 submitters: Pathogenic (1). 1 of the submissions does not count toward it. Last evaluated 2017-12-15.

Conditions:
Breast-ovarian cancer, familial, susceptibility to, 2 (BROVCA2). Also called: BRCA2 Hereditary Breast and Ovarian Cancer. Identifiers: Orphanet 145, MedGen C2675520, MONDO:0012933, OMIM 612555. Disease mechanism: loss of function.

Submissions (2):

Evidence-based Network for the Interpretation of Germline Mutant Alleles (ENIGMA)
Classification: Pathogenic for Breast-ovarian cancer, familial, susceptibility to, 2. Last evaluated: 2017-12-15. Review status: reviewed by expert panel. Criteria: ENIGMA BRCA1/2 Classification Criteria (2017-06-29). Collection method: curation. Allele origin: germline. Study: ENIGMA.
Comment: Variant allele predicted to encode a truncated non-functional protein.

Genologica Medica
Classification: Pathogenic for Breast-ovarian cancer, familial, susceptibility to, 2. Last evaluated: 2017-01-01. Review status: criteria provided, single submitter. Criteria: ACMG Guidelines, 2015. Collection method: clinical testing. Allele origin: germline. Affected: yes. Not counted in ClinVar's aggregate classification.

NM_000059.4(BRCA2):c.6652del (p.Asp2218fs)

Gene: BRCA2 (BRCA2 DNA repair associated; plus strand). Cytogenetic location: 13q13.1.
Variant type: Deletion.
Coding change: c.6652del on transcript NM_000059.4 (MANE Select); coding-DNA position 6652, one base deleted (G; older notation c.6652delG).
Protein change: p.Asp2218fs; shifts the reading frame from aspartic acid 2218.
Molecular consequence: frameshift variant.
Genome position (GRCh38, 1-based): chr13:32,341,007, G deleted. VCF-style (leftmost placement, unchanged base first): chr13-32341006-AG-A. GRCh37 (hg19) VCF-style: chr13-32915143-AG-A.
Other names: c.6652delG (NM_000059.3); short protein forms D2218fs.
Identifiers: ClinVar variation 427242 (VCV000427242.1), dbSNP rs1085308038, ClinGen allele CA645294075.